The following is an entry in ClinVar:

ClinVar aggregate classification (germline): Uncertain significance. Review status: criteria provided, multiple submitters, no conflicts (2 of 4 stars). 4 submissions from 4 submitters: Uncertain significance (3). 1 of the submissions does not count toward it. Last evaluated 2025-10-23.

Conditions:
OTULIN-related disorder. Also called: OTULIN-related condition.

Allele frequency attached by ClinVar (database versions not stated): gnomAD exomes 0.00004 and 0.00008; gnomAD 0.00005 and 0.00006; TOPMed 0.00007; ExAC 0.00013; 1000 Genomes Project 30x 0.00016.
gnomAD v4.1: 61 of 1,614,006 alleles (0.0038%); highest among the groups gnomAD compares: African/African-American, 0.012%; no homozygotes.

Submissions (5):

Labcorp Genetics (formerly Invitae), Labcorp
Classification: Uncertain significance. Last evaluated: 2025-10-23. Review status: criteria provided, single submitter. Criteria: Invitae Variant Classification Sherloc (09022015). Collection method: clinical testing. Allele origin: germline.
Comment: This sequence change replaces alanine, which is neutral and non-polar, with valine, which is neutral and non-polar, at codon 223 of the OTULIN protein (p.Ala223Val). This variant is present in population databases (rs202055637, gnomAD 0.01%). This variant has not been reported in the literature in individuals affected with OTULIN-related conditions. ClinVar contains an entry for this variant (Variation ID: 1298986). Invitae Evidence Modeling of protein sequence and biophysical properties (such as structural, functional, and spatial information, amino acid conservation, physicochemical variation, residue mobility, and thermodynamic stability) indicates that this missense variant is not expected to disrupt OTULIN protein function with a negative predictive value of 80%. In summary, the available evidence is currently insufficient to determine the role of this variant in disease. Therefore, it has been classified as a Variant of Uncertain Significance.

Ambry Genetics
Classification: Uncertain significance. Last evaluated: 2023-12-28. Review status: criteria provided, single submitter. Criteria: Ambry Variant Classification Scheme 2023. Collection method: clinical testing. Allele origin: germline.

CeGaT Center for Human Genetics Tuebingen
Classification: Uncertain significance. Last evaluated: 2021-07-01. Review status: criteria provided, single submitter. Criteria: CeGaT Center For Human Genetics Tuebingen Variant Classification Criteria Version 2. Collection method: clinical testing. Allele origin: germline. Affected: yes. Observed: 1 variant allele.

PreventionGenetics, part of Exact Sciences
Classification: Uncertain significance for OTULIN-related condition. Last evaluated: 2024-09-25. Review status: no assertion criteria provided. Collection method: clinical testing. Allele origin: germline. Not counted in ClinVar's aggregate classification.
Comment: The OTULIN c.668C>T variant is predicted to result in the amino acid substitution p.Ala223Val. To our knowledge, this variant has not been reported in the literature. This variant is reported in 0.015% of alleles in individuals of European (Non-Finnish) descent in gnomAD, which may be too common to be causative. Although we suspect that this variant may be benign, at this time, the clinical significance of this variant is uncertain due to the absence of conclusive functional and genetic evidence.

Dr. Peter K. Rogan Lab, Western University
No classification provided (evidence only). Condition: Acute myeloid leukemia. Review status: no classification provided. Collection method: in vitro. Allele origin: not applicable. Functional consequence: skipped exon, retained intron. Not counted in ClinVar's aggregate classification.

NM_138348.6(OTULIN):c.668C>T (p.Ala223Val)

Gene: OTULIN (OTU deubiquitinase with linear linkage specificity; plus strand). Cytogenetic location: 5p15.2.
Variant type: single nucleotide variant.
Coding change: c.668C>T on transcript NM_138348.6 (MANE Select); coding-DNA position 668, C replaced by T.
Protein change: p.Ala223Val; replaces alanine 223 with valine.
Molecular consequence: missense variant.
Genome position (GRCh38, 1-based): chr5:14,690,112, C>T. VCF-style: chr5-14690112-C-T. GRCh37 (hg19) VCF-style: chr5-14690221-C-T.
Other names: c.668C>T (NM_138348.5, NM_138348.4); short protein forms A223V.
Identifiers: ClinVar variation 1298986 (VCV001298986.42), dbSNP rs202055637, ClinGen allele CA3208664.